The following is an entry in ClinVar:

ClinVar aggregate classification (germline): Uncertain significance (0 of 4 stars; one submission).

Conditions:
Familial long QT syndrome (RWS). Also called: Romano-Ward syndrome; VENTRICULAR FIBRILLATION WITH PROLONGED QT INTERVAL; Congenital long QT syndrome. Identifiers: Orphanet 768, MedGen C1141890, MONDO:0019171.

gnomAD v4.1: 16 of 1,613,298 alleles (0.00099%); highest among the groups gnomAD compares: South Asian, 0.014%; no homozygotes.

Submission:

Genetics and Genomics Program, Sidra Medicine
Classification: Uncertain significance for Isolated congenital long QT syndrome. Review status: no assertion criteria provided. Collection method: research. Allele origin: unknown. Affected: yes.
Comment: The c.682A>G missense variant in KCNA10 is absent from population databases (PM2). In silico predictions support a damaging effect (PP3). ACMG codes: PM2, PP3.

NM_005549.2(KCNA10):c.682A>G (p.Ile228Val)

Gene: KCNA10 (potassium voltage-gated channel subfamily A member 10; minus strand). Cytogenetic location: 1p13.3.
Variant type: single nucleotide variant.
Coding change: c.682A>G on transcript NM_005549.2 (MANE Select); coding-DNA position 682, A replaced by G.
Protein change: p.Ile228Val; replaces isoleucine 228 with valine.
Molecular consequence: missense variant.
Genome position (GRCh38, 1-based): chr1:110,518,106, T>C on the plus strand (A>G on the coding strand, the complement: KCNA10 is on the minus strand). VCF-style: chr1-110518106-T-C. GRCh37 (hg19) VCF-style: chr1-111060728-T-C.
Other names: short protein forms I228V.
Identifiers: ClinVar variation 3358893 (VCV003358893.1).
Genomic context (GRCh38, chr1:110,518,106, plus strand): 5'-TTAGCTCCCTATCCTCCCGGAACTCTGGCAGTGTCTCCAGGCAGAAGATGGTGATGGAGA[T>C]GACCACAACCAACACCGAGACCACGGCCACAGCACGGGCAGCGCTGGAACTTTCAGGGTA-3'
Protein context (NP_005540.1, residues 218-238): VAVVSVLVVV[Ile228Val]SITIFCLETL